The following is an entry in ClinVar:

NM_006734.4(HIVEP2):c.2920T>C (p.Ser974Pro)

Gene: HIVEP2 (HIVEP zinc finger 2; minus strand). Cytogenetic location: 6q24.2.
Variant type: single nucleotide variant.
Coding change: c.2920T>C on transcript NM_006734.4 (MANE Select); coding-DNA position 2920, T replaced by C.
Protein change: p.Ser974Pro; replaces serine 974 with proline.
Molecular consequence: missense variant.
Genome position (GRCh38, 1-based): chr6:142,771,819, A>G on the plus strand (T>C on the coding strand, the complement: HIVEP2 is on the minus strand). VCF-style: chr6-142771819-A-G. GRCh37 (hg19) VCF-style: chr6-143092956-A-G.
Other names: short protein forms S974P.
Identifiers: ClinVar variation 1186120 (VCV001186120.2), dbSNP rs1775553830, ClinGen allele CA365907795.

ClinVar aggregate classification (germline): Uncertain significance (1 of 4 stars; one submission).

Allele frequency attached by ClinVar (database versions not stated): gnomAD exomes 0.00001; gnomAD 0.00001.
gnomAD v4.1: 4 of 1,614,078 alleles (0.00025%); no homozygotes.

Submission:

GeneDx
Classification: Uncertain significance. Last evaluated: 2019-09-17. Review status: criteria provided, single submitter. Criteria: GeneDx Variant Classification Process June 2021. Collection method: clinical testing. Allele origin: germline. Affected: yes.
Comment: Not observed in large population cohorts (Lek et al., 2016); In silico analysis, which includes protein predictors and evolutionary conservation, supports a deleterious effect; Has not been previously published as pathogenic or benign to our knowledge